The following is an entry in ClinVar:

NM_001184900.3(CARD8):c.215A>G (p.Tyr72Cys)

Gene: CARD8 (caspase recruitment domain family member 8; minus strand). Cytogenetic location: 19q13.33.
Variant type: single nucleotide variant.
Coding change: c.215A>G on transcript NM_001184900.3 (MANE Select); coding-DNA position 215, A replaced by G.
Protein change: p.Tyr72Cys; replaces tyrosine 72 with cysteine.
Molecular consequence: missense variant. On other transcripts: 5 prime UTR variant (6), non-coding transcript variant (4).
Genome position (GRCh38, 1-based): chr19:48,234,538, T>C on the plus strand (A>G on the coding strand, the complement: CARD8 is on the minus strand). VCF-style: chr19-48234538-T-C. GRCh37 (hg19) VCF-style: chr19-48737795-T-C.
Other names: c.65A>G, p.Tyr22Cys (NM_001184901.1, NM_001351783.2, NM_001351788.2 and 2 more transcripts); c.215A>G, p.Tyr72Cys (NM_001184902.2, NM_001184903.1, NM_001351782.2); c.-60A>G (NM_001351784.2, NM_001351787.2, NM_001351791.2 and 2 more transcripts); c.-274A>G (NM_001351786.2); c.13A>G, p.Thr5Ala (NM_001351790.2); short protein forms Y22C, T5A, Y72C.
Identifiers: ClinVar variation 1438475 (VCV001438475.6), dbSNP rs1310564759, ClinGen allele CA406647139.

ClinVar aggregate classification (germline): Uncertain significance (1 of 4 stars; one submission).

Allele frequency attached by ClinVar (database versions not stated): gnomAD exomes below 0.00001; TOPMed below 0.00001; gnomAD 0.00001.
gnomAD v4.1: 4 of 1,612,156 alleles (0.00025%); highest among the groups gnomAD compares: East Asian, 0.0089%; no homozygotes.

Submission:

Labcorp Genetics (formerly Invitae), Labcorp
Classification: Uncertain significance. Last evaluated: 2021-08-02. Review status: criteria provided, single submitter. Criteria: Invitae Variant Classification Sherloc (09022015). Collection method: clinical testing. Allele origin: germline.
Comment: In summary, the available evidence is currently insufficient to determine the role of this variant in disease. Therefore, it has been classified as a Variant of Uncertain Significance. This variant is not present in population databases (ExAC no frequency). This variant has not been reported in the literature in individuals affected with CARD8-related conditions. Algorithms developed to predict the effect of missense changes on protein structure and function are either unavailable or do not agree on the potential impact of this missense change (SIFT: "Deleterious"; PolyPhen-2: "Probably Damaging"; Align-GVGD: "Class C0"). Algorithms developed to predict the effect of sequence changes on RNA splicing suggest that this variant may create or strengthen a splice site. This sequence change replaces tyrosine with cysteine at codon 22 of the CARD8 protein (p.Tyr22Cys). The tyrosine residue is weakly conserved and there is a large physicochemical difference between tyrosine and cysteine.